The following is an entry in ClinVar:

NM_015102.5(NPHP4):c.2387T>C (p.Met796Thr)

Gene: NPHP4 (nephrocystin 4; minus strand). Cytogenetic location: 1p36.31.
Variant type: single nucleotide variant.
Coding change: c.2387T>C on transcript NM_015102.5 (MANE Select); coding-DNA position 2387, T replaced by C.
Protein change: p.Met796Thr; replaces methionine 796 with threonine.
Molecular consequence: missense variant. On other transcripts: non-coding transcript variant (1).
Genome position (GRCh38, 1-based): chr1:5,887,384, A>G on the plus strand (T>C on the coding strand, the complement: NPHP4 is on the minus strand). VCF-style: chr1-5887384-A-G. GRCh37 (hg19) VCF-style: chr1-5947444-A-G.
Other names: c.848T>C, p.Met283Thr (NM_001291593.2); c.851T>C, p.Met284Thr (NM_001291594.2); short protein forms M283T, M796T, M284T.
Identifiers: ClinVar variation 2156076 (VCV002156076.4), dbSNP rs373607036, ClinGen allele CA554136.

ClinVar aggregate classification (germline): Uncertain significance (1 of 4 stars; one submission).

Conditions:
Nephronophthisis. Also called: Juvenile Nephronophthisis. Identifiers: Orphanet 655, MedGen C0687120, MONDO:0019005, HP:0000090.

Allele frequency attached by ClinVar (database versions not stated): gnomAD 0.00001; ExAC 0.00002; gnomAD exomes 0.00002; TOPMed 0.00002; ESP Exome Variant Server 0.00008.
gnomAD v4.1: 32 of 1,613,350 alleles (0.002%); highest among the groups gnomAD compares: Non-Finnish European, 0.0026%; no homozygotes.

Submission:

Labcorp Genetics (formerly Invitae), Labcorp
Classification: Uncertain significance for Nephronophthisis. Last evaluated: 2022-07-19. Review status: criteria provided, single submitter. Criteria: Invitae Variant Classification Sherloc (09022015). Collection method: clinical testing. Allele origin: germline.
Comment: In summary, the available evidence is currently insufficient to determine the role of this variant in disease. Therefore, it has been classified as a Variant of Uncertain Significance. Algorithms developed to predict the effect of missense changes on protein structure and function output the following: SIFT: "Deleterious"; PolyPhen-2: "Benign"; Align-GVGD: "Class C0". The threonine amino acid residue is found in multiple mammalian species, which suggests that this missense change does not adversely affect protein function. This variant has not been reported in the literature in individuals affected with NPHP4-related conditions. This variant is present in population databases (rs373607036, gnomAD 0.003%). This sequence change replaces methionine, which is neutral and non-polar, with threonine, which is neutral and polar, at codon 796 of the NPHP4 protein (p.Met796Thr).